The following is an entry in ClinVar:

ClinVar aggregate classification (germline): Pathogenic (1 of 4 stars; one submission).

Submission:

Labcorp Genetics (formerly Invitae), Labcorp
Classification: Pathogenic. Last evaluated: 2021-12-08. Review status: criteria provided, single submitter. Criteria: Invitae Variant Classification Sherloc (09022015). Collection method: clinical testing. Allele origin: germline.
Comment: This sequence change creates a premature translational stop signal (p.Val67Serfs*27) in the FGF10 gene. It is expected to result in an absent or disrupted protein product. Loss-of-function variants in FGF10 are known to be pathogenic (PMID: 15654336, 26955834). This variant is not present in population databases (gnomAD no frequency). This variant has not been reported in the literature in individuals affected with FGF10-related conditions. For these reasons, this variant has been classified as Pathogenic.

Literature cited by the submitters: PubMed 15654336; PubMed 26955834.

NM_004465.2(FGF10):c.198_199insA (p.Val67fs)

Gene: FGF10 (fibroblast growth factor 10; minus strand). Cytogenetic location: 5p12.
Variant type: Insertion.
Coding change: c.198_199insA on transcript NM_004465.2 (MANE Select); coding-DNA positions 198 to 199, A inserted.
Protein change: p.Val67fs; shifts the reading frame from valine 67.
Molecular consequence: frameshift variant.
Genome position: GRCh38 VCF-style: chr5-44388484-C-CT. GRCh37 (hg19) VCF-style: chr5-44388586-C-CT.
Other names: short protein forms V67fs.
Identifiers: ClinVar variation 1368007 (VCV001368007.6), dbSNP rs2111939767, ClinGen allele CA2573139742.